The following is an entry in ClinVar:

NM_001348716.2(KDM6B):c.2606C>T (p.Ser869Phe)

Gene: KDM6B (lysine demethylase 6B; plus strand). Cytogenetic location: 17p13.1.
Variant type: single nucleotide variant.
Coding change: c.2606C>T on transcript NM_001348716.2 (MANE Select); coding-DNA position 2606, C replaced by T.
Protein change: p.Ser869Phe; replaces serine 869 with phenylalanine.
Molecular consequence: missense variant.
Genome position (GRCh38, 1-based): chr17:7,848,894, C>T. VCF-style: chr17-7848894-C-T. GRCh37 (hg19) VCF-style: chr17-7752212-C-T.
Other names: c.2606C>T, p.Ser869Phe (NM_001080424.2); short protein forms S869F.
Identifiers: ClinVar variation 2351943 (VCV002351943.4), dbSNP rs200731654, ClinGen allele CA8360948.

ClinVar aggregate classification (germline): Likely benign. Review status: criteria provided, single submitter (1 of 4 stars). 2 submissions from 2 submitters: Likely benign (1). 1 of the submissions does not count toward it. Last evaluated 2021-12-07.

Conditions:
Inborn genetic diseases. Identifiers: MedGen C0950123, MeSH D030342.
KDM6B-related disorder. Also called: KDM6B-related condition.

Allele frequency attached by ClinVar (database versions not stated): gnomAD 0.00004; ESP Exome Variant Server 0.00008; TOPMed 0.00009; 1000 Genomes Project 30x 0.00016; 1000 Genomes Project 0.00020; ExAC 0.00049.
gnomAD v4.1: 299 of 1,607,450 alleles (0.019%); highest among the groups gnomAD compares: Non-Finnish European, 0.024%; no homozygotes.

Submissions (2):

Ambry Genetics
Classification: Likely benign for Inborn genetic diseases. Last evaluated: 2021-12-07. Review status: criteria provided, single submitter. Criteria: Ambry Variant Classification Scheme 2023. Collection method: clinical testing. Allele origin: germline.

PreventionGenetics, part of Exact Sciences
Classification: Likely benign for KDM6B-related condition. Last evaluated: 2022-08-29. Review status: no assertion criteria provided. Collection method: clinical testing. Allele origin: germline. Not counted in ClinVar's aggregate classification.
Comment: This variant is classified as likely benign based on ACMG/AMP sequence variant interpretation guidelines (Richards et al. 2015 PMID: 25741868, with internal and published modifications).